The following is an entry in ClinVar:

ClinVar aggregate classification (germline): Likely benign. Review status: criteria provided, multiple submitters, no conflicts (2 of 4 stars). 3 submissions from 3 submitters: Likely benign (2). 1 of the submissions does not count toward it. Last evaluated 2026-03-01.

Conditions:
APP-related disorder. Also called: APP-related condition.
Alzheimer disease. Also called: Alzheimer's disease; Presenile and senile dementia. Identifiers: Orphanet 1020, MedGen C0002395, MeSH D000544, MONDO:0004975, HP:0002511.

Allele frequency attached by ClinVar (database versions not stated): 1000 Genomes Project 30x 0.00016; gnomAD 0.00096 and 0.00097; TOPMed 0.00111.

Submissions (3):

CeGaT Center for Human Genetics Tuebingen
Classification: Likely benign. Last evaluated: 2026-03-01. Review status: criteria provided, single submitter. Criteria: CeGaT Center For Human Genetics Tuebingen Variant Classification Criteria Version 2. Collection method: clinical testing. Allele origin: germline. Affected: yes. Observed: 8 variant alleles.
Comment: APP: BS1

Labcorp Genetics (formerly Invitae), Labcorp
Classification: Likely benign for Alzheimer disease. Last evaluated: 2022-07-05. Review status: criteria provided, single submitter. Criteria: Invitae Variant Classification Sherloc (09022015). Collection method: clinical testing. Allele origin: germline.

PreventionGenetics, part of Exact Sciences
Classification: Likely benign for APP-related condition. Last evaluated: 2019-06-11. Review status: no assertion criteria provided. Collection method: clinical testing. Allele origin: germline. Not counted in ClinVar's aggregate classification.
Comment: This variant is classified as likely benign based on ACMG/AMP sequence variant interpretation guidelines (Richards et al. 2015 PMID: 25741868, with internal and published modifications).

NC_000021.9:g.26171301C>T

Genes: APP (amyloid beta precursor protein; minus strand), APP-DT (APP divergent transcript; plus strand). Cytogenetic location: 21q21.3.
Variant type: single nucleotide variant.
Genome position: GRCh38 VCF-style: chr21-26171301-C-T. GRCh37 (hg19) VCF-style: chr21-27543619-C-T.
Identifiers: ClinVar variation 1117397 (VCV001117397.31), dbSNP rs187510057, ClinGen allele CA14868482.
Genomic context (GRCh38, chr21:26,171,301, plus strand): 5'-AATGAGAACGAGTGAAGCTTAAAGGAAATAGGATTTTCTTTGCTTGTTGAGACAGCAAAA[C>T]CTCATTTTTTAACCCCCAACGTCAAAAGCAGGCACGAGCAACCTGGAATTTCTATCTTTA-3'